The following is an entry in ClinVar:

NM_173500.4(TTBK2):c.596G>A (p.Arg199Gln)

Gene: TTBK2 (tau tubulin kinase 2; minus strand). Cytogenetic location: 15q15.2.
Variant type: single nucleotide variant.
Coding change: c.596G>A on transcript NM_173500.4 (MANE Select); coding-DNA position 596, G replaced by A.
Protein change: p.Arg199Gln; replaces arginine 199 with glutamine.
Molecular consequence: missense variant.
Genome position (GRCh38, 1-based): chr15:42,817,039, C>T on the plus strand (G>A on the coding strand, the complement: TTBK2 is on the minus strand). VCF-style: chr15-42817039-C-T. GRCh37 (hg19) VCF-style: chr15-43109237-C-T.
Other names: short protein forms R199Q.
Identifiers: ClinVar variation 2421802 (VCV002421802.6), dbSNP rs749726545, ClinGen allele CA7517434.

ClinVar aggregate classification (germline): Uncertain significance. Review status: criteria provided, multiple submitters, no conflicts (2 of 4 stars). 2 submissions from 2 submitters: Uncertain significance (2). Last evaluated 2023-01-29.

Allele frequency attached by ClinVar (database versions not stated): gnomAD exomes below 0.00001; gnomAD 0.00001; ExAC 0.00003.
gnomAD v4.1: 5 of 1,602,640 alleles (0.00031%); highest among the groups gnomAD compares: South Asian, 0.0033%; no homozygotes.

Submissions (2):

Women's Health and Genetics/Laboratory Corporation of America, LabCorp
Classification: Uncertain significance. Last evaluated: 2023-01-29. Review status: criteria provided, single submitter. Criteria: LabCorp Variant Classification Summary - May 2015. Collection method: clinical testing. Allele origin: germline.
Comment: Variant summary: TTBK2 c.596G>A (p.Arg199Gln) results in a conservative amino acid change located in the Protein kinase domain (IPR000719) of the encoded protein sequence. Three of five in-silico tools predict a benign effect of the variant on protein function. The variant allele was found at a frequency of 1.6e-05 in 249416 control chromosomes (gnomAD). The available data on variant occurrences in the general population are insufficient to allow any conclusion about variant significance. This report does not provide unequivocal conclusions about association of the variant with Spinocerebellar Ataxia Type 11. To our knowledge, no experimental evidence demonstrating an impact on protein function has been reported. No clinical diagnostic laboratories have submitted clinical-significance assessments for this variant to ClinVar after 2014. Based on the evidence outlined above, the variant was classified as uncertain significance.

Labcorp Genetics (formerly Invitae), Labcorp
Classification: Uncertain significance. Last evaluated: 2022-10-22. Review status: criteria provided, single submitter. Criteria: Invitae Variant Classification Sherloc (09022015). Collection method: clinical testing. Allele origin: germline.
Comment: Advanced modeling of protein sequence and biophysical properties (such as structural, functional, and spatial information, amino acid conservation, physicochemical variation, residue mobility, and thermodynamic stability) has been performed at Invitae for this missense variant, however the output from this modeling did not meet the statistical confidence thresholds required to predict the impact of this variant on TTBK2 protein function. This sequence change replaces arginine, which is basic and polar, with glutamine, which is neutral and polar, at codon 199 of the TTBK2 protein (p.Arg199Gln). This variant is present in population databases (rs749726545, gnomAD 0.005%). This variant has not been reported in the literature in individuals affected with TTBK2-related conditions. In summary, the available evidence is currently insufficient to determine the role of this variant in disease. Therefore, it has been classified as a Variant of Uncertain Significance.

Literature cited by the submitters: PubMed 34284285 (cited by Women's Health and Genetics/Laboratory Corporation of America, LabCorp).